The following is an entry in ClinVar:

NM_001164665.2(KIAA1549):c.1402G>A (p.Val468Ile)

Gene: KIAA1549 (KIAA1549; minus strand). Cytogenetic location: 7q34.
Variant type: single nucleotide variant.
Coding change: c.1402G>A on transcript NM_001164665.2 (MANE Select); coding-DNA position 1402, G replaced by A.
Protein change: p.Val468Ile; replaces valine 468 with isoleucine.
Molecular consequence: missense variant.
Genome position (GRCh38, 1-based): chr7:138,918,224, C>T on the plus strand (G>A on the coding strand, the complement: KIAA1549 is on the minus strand). VCF-style: chr7-138918224-C-T. GRCh37 (hg19) VCF-style: chr7-138602970-C-T.
Other names: c.1402G>A, p.Val468Ile (NM_020910.3); short protein forms V468I.
Identifiers: ClinVar variation 955256 (VCV000955256.10), dbSNP rs545645203, ClinGen allele CA4506731.

ClinVar aggregate classification (germline): Uncertain significance. Review status: criteria provided, multiple submitters, no conflicts (2 of 4 stars). 2 submissions from 2 submitters: Uncertain significance (2). Last evaluated 2025-08-01.

Conditions:
Inborn genetic diseases. Identifiers: MedGen C0950123, MeSH D030342.

Allele frequency attached by ClinVar (database versions not stated): 1000 Genomes Project 30x 0.00016; 1000 Genomes Project 0.00020; gnomAD 0.00001 and 0.00003; TOPMed 0.00001; gnomAD exomes 0.00007 and 0.00010; ExAC 0.00008.
gnomAD v4.1: 104 of 1,614,008 alleles (0.0064%); highest among the groups gnomAD compares: South Asian, 0.085%; 1 homozygote.

Submissions (2):

Ambry Genetics
Classification: Uncertain significance for Inborn genetic diseases. Last evaluated: 2025-08-01. Review status: criteria provided, single submitter. Criteria: Ambry Variant Classification Scheme 2023. Collection method: clinical testing. Allele origin: germline.

Labcorp Genetics (formerly Invitae), Labcorp
Classification: Uncertain significance. Last evaluated: 2023-08-17. Review status: criteria provided, single submitter. Criteria: Invitae Variant Classification Sherloc (09022015). Collection method: clinical testing. Allele origin: germline.
Comment: In summary, the available evidence is currently insufficient to determine the role of this variant in disease. Therefore, it has been classified as a Variant of Uncertain Significance. Algorithms developed to predict the effect of missense changes on protein structure and function output the following: SIFT: "Not Available"; PolyPhen-2: "Benign"; Align-GVGD: "Not Available". The isoleucine amino acid residue is found in multiple mammalian species, which suggests that this missense change does not adversely affect protein function. ClinVar contains an entry for this variant (Variation ID: 955256). This variant has not been reported in the literature in individuals affected with KIAA1549-related conditions. This variant is present in population databases (rs545645203, gnomAD 0.06%). This sequence change replaces valine, which is neutral and non-polar, with isoleucine, which is neutral and non-polar, at codon 468 of the KIAA1549 protein (p.Val468Ile).